The following is an entry in ClinVar:

ClinVar aggregate classification (germline): Uncertain significance. Review status: criteria provided, multiple submitters, no conflicts (2 of 4 stars). 2 submissions from 2 submitters: Uncertain significance (2). Last evaluated 2025-02-24.

Allele frequency attached by ClinVar (database versions not stated): gnomAD exomes 0.00017; TOPMed 0.00020; 1000 Genomes Project 30x 0.00016; ExAC 0.00017.
gnomAD v4.1: 325 of 1,424,098 alleles (0.023%); highest among the groups gnomAD compares: Non-Finnish European, 0.027%; 1 homozygote.

Submissions (2):

Labcorp Genetics (formerly Invitae), Labcorp
Classification: Uncertain significance. Last evaluated: 2025-02-24. Review status: criteria provided, single submitter. Criteria: Invitae Variant Classification Sherloc (09022015). Collection method: clinical testing. Allele origin: germline.
Comment: This sequence change replaces arginine, which is basic and polar, with glycine, which is neutral and non-polar, at codon 26 of the FGFRL1 protein (p.Arg26Gly). This variant is present in population databases (rs768315040, gnomAD 0.05%). This variant has not been reported in the literature in individuals affected with FGFRL1-related conditions. ClinVar contains an entry for this variant (Variation ID: 1485221). Experimental studies and prediction algorithms are not available or were not evaluated, and the functional significance of this variant is currently unknown. In summary, the available evidence is currently insufficient to determine the role of this variant in disease. Therefore, it has been classified as a Variant of Uncertain Significance.

Ambry Genetics
Classification: Uncertain significance. Last evaluated: 2021-08-02. Review status: criteria provided, single submitter. Criteria: Ambry Variant Classification Scheme 2023. Collection method: clinical testing. Allele origin: germline.

NM_001004356.3(FGFRL1):c.76C>G (p.Arg26Gly)

Gene: FGFRL1 (fibroblast growth factor receptor like 1; plus strand). Cytogenetic location: 4p16.3.
Variant type: single nucleotide variant.
Coding change: c.76C>G on transcript NM_001004356.3 (MANE Select); coding-DNA position 76, C replaced by G.
Protein change: p.Arg26Gly; replaces arginine 26 with glycine.
Molecular consequence: missense variant.
Genome position (GRCh38, 1-based): chr4:1,012,561, C>G. VCF-style: chr4-1012561-C-G. GRCh37 (hg19) VCF-style: chr4-1006349-C-G.
Other names: c.76C>G (NM_001004356.2); c.76C>G, p.Arg26Gly (NM_001004358.1, NM_001370296.1, NM_021923.3); short protein forms R26G.
Identifiers: ClinVar variation 1485221 (VCV001485221.9), dbSNP rs768315040, ClinGen allele CA2802541.